The following is an entry in ClinVar:

NM_001374504.1(TMPRSS6):c.598G>C (p.Val200Leu)

Gene: TMPRSS6 (transmembrane serine protease 6; minus strand). Cytogenetic location: 22q12.3.
Variant type: single nucleotide variant.
Coding change: c.598G>C on transcript NM_001374504.1 (MANE Select); coding-DNA position 598, G replaced by C.
Protein change: p.Val200Leu; replaces valine 200 with leucine.
Molecular consequence: missense variant.
Genome position (GRCh38, 1-based): chr22:37,095,584, C>G on the plus strand (G>C on the coding strand, the complement: TMPRSS6 is on the minus strand). VCF-style: chr22-37095584-C-G. GRCh37 (hg19) VCF-style: chr22-37491624-C-G.
Other names: c.598G>C, p.Val200Leu (NM_001289000.2, NM_001289001.2, NM_153609.4); short protein forms V200L.
Identifiers: ClinVar variation 2571157 (VCV002571157.27), dbSNP rs765416102, ClinGen allele CA10215979.

ClinVar aggregate classification (germline): Uncertain significance (1 of 4 stars; one submission).

Allele frequency attached by ClinVar (database versions not stated): ExAC 0.00001; gnomAD 0.00001; TOPMed 0.00002.
gnomAD v4.1: 4 of 1,607,658 alleles (0.00025%); highest among the groups gnomAD compares: Non-Finnish European, 0.00034%; no homozygotes.

Submission:

CeGaT Center for Human Genetics Tuebingen
Classification: Uncertain significance. Last evaluated: 2023-05-01. Review status: criteria provided, single submitter. Criteria: CeGaT Center For Human Genetics Tuebingen Variant Classification Criteria Version 2. Collection method: clinical testing. Allele origin: germline. Affected: yes. Observed: 1 variant allele.
Comment: TMPRSS6: PM2